The following is an entry in ClinVar:

NM_000433.3(NCF2):c.-240T>G

Genes: NCF2 (neutrophil cytosolic factor 2; minus strand), LOC129932084 (ATAC-STARR-seq lymphoblastoid active region 2216; plus strand). Cytogenetic location: 1q25.3.
Variant type: single nucleotide variant.
Coding change: c.-240T>G on transcript NM_000433.3; 240 bases upstream of the start codon, T replaced by G.
Molecular consequence: intron variant (on NM_001410895.1).
Genome position (GRCh38, 1-based): chr1:183,590,569, A>C on the plus strand (T>G on the coding strand, the complement: NCF2 is on the minus strand). VCF-style: chr1-183590569-A-C. GRCh37 (hg19) VCF-style: chr1-183559704-A-C.
Other names: NC_000001.10:g.183559704A>C; c.-30-210T>G (NM_001410895.1, NM_001127651.3).
Identifiers: ClinVar variation 294087 (VCV000294087.11), dbSNP rs2274065, ClinGen allele CA10608971.

ClinVar aggregate classification (germline): Benign. Review status: criteria provided, multiple submitters, no conflicts (2 of 4 stars). 3 submissions from 3 submitters: Benign (3). Last evaluated 2018-09-11.

Conditions:
Granulomatous disease, chronic, autosomal recessive, cytochrome b-positive, type 2. Also called: GRANULOMATOUS DISEASE, CHRONIC, AUTOSOMAL RECESSIVE, 2; Chronic granulomatous disease due to deficiency of NCF-2; Chronic Granulomatous Disease, Autosomal Recessive, Cytochrome b-Positive, Type II; CGD, AUTOSOMAL RECESSIVE CYTOCHROME b-POSITIVE, TYPE II; GRANULOMATOUS DISEASE, CHRONIC, DUE TO NCF2 DEFICIENCY. Identifiers: Orphanet 379, MedGen C1856245, MONDO:0009310, OMIM 233710.

Allele frequency attached by ClinVar (database versions not stated): gnomAD 0.18942 and 0.19754; 1000 Genomes Project 0.20427; gnomAD exomes 0.09303; TOPMed 0.20821; 1000 Genomes Project 30x 0.21284.
gnomAD v4.1: 69,376 of 585,042 alleles (12%); highest among the groups gnomAD compares: African/African-American, 44%; 7,557 homozygotes.

Submissions (21):

GeneDx
Classification: Benign. Last evaluated: 2018-09-11. Review status: criteria provided, single submitter. Criteria: GeneDx Variant Classification Process June 2021. Collection method: clinical testing. Allele origin: germline. Affected: yes.

Illumina Laboratory Services, Illumina
Classification: Benign for Granulomatous disease, chronic, autosomal recessive, cytochrome b-positive, type 2. Last evaluated: 2018-01-13. Review status: criteria provided, single submitter. Criteria: ICSL Variant Classification Criteria 13 December 2019. Collection method: clinical testing. Allele origin: germline.
Comment: This variant was observed in the ICSL laboratory as part of a predisposition screen in an ostensibly healthy population. It had not been previously curated by ICSL or reported in the Human Gene Mutation Database (HGMD: prior to June 1st, 2018), and was therefore a candidate for classification through an automated scoring system. Utilizing variant allele frequency, disease prevalence and penetrance estimates, and inheritance mode, an automated score was calculated to assess if this variant is too frequent to cause the disease. Based on the score and internal cut-off values, a variant classified as benign is not then subjected to further curation. The score for this variant resulted in a classification of benign for this disease.

Breakthrough Genomics
Classification: Benign. Review status: criteria provided, single submitter. Criteria: ACMG Guidelines, 2015. Collection method: not provided. Allele origin: germline. Inheritance: Autosomal recessive inheritance. Affected: yes.

Dr. Peter K. Rogan Lab, Western University
No classification provided (evidence only). Condition: Acute myeloid leukemia. Review status: no classification provided. Collection method: in vitro. Allele origin: not applicable. Functional consequence: retained intron. Not counted in ClinVar's aggregate classification.

Dr. Peter K. Rogan Lab, Western University
No classification provided (evidence only). Condition: Acute myeloid leukemia. Review status: no classification provided. Collection method: in vitro. Allele origin: not applicable. Functional consequence: retained intron. Not counted in ClinVar's aggregate classification.

Dr. Peter K. Rogan Lab, Western University
No classification provided (evidence only). Condition: Acute myeloid leukemia. Review status: no classification provided. Collection method: in vitro. Allele origin: not applicable. Functional consequence: retained intron. Not counted in ClinVar's aggregate classification.

Dr. Peter K. Rogan Lab, Western University
No classification provided (evidence only). Condition: Acute myeloid leukemia. Review status: no classification provided. Collection method: in vitro. Allele origin: not applicable. Functional consequence: retained intron. Not counted in ClinVar's aggregate classification.

Dr. Peter K. Rogan Lab, Western University
No classification provided (evidence only). Condition: Acute myeloid leukemia. Review status: no classification provided. Collection method: in vitro. Allele origin: not applicable. Functional consequence: retained intron. Not counted in ClinVar's aggregate classification.

Dr. Peter K. Rogan Lab, Western University
No classification provided (evidence only). Condition: Thymoma. Review status: no classification provided. Collection method: in vitro. Allele origin: not applicable. Functional consequence: retained intron. Not counted in ClinVar's aggregate classification.

Dr. Peter K. Rogan Lab, Western University
No classification provided (evidence only). Condition: Thymoma. Review status: no classification provided. Collection method: in vitro. Allele origin: not applicable. Functional consequence: retained intron. Not counted in ClinVar's aggregate classification.

Dr. Peter K. Rogan Lab, Western University
No classification provided (evidence only). Condition: Thymoma. Review status: no classification provided. Collection method: in vitro. Allele origin: not applicable. Functional consequence: retained intron. Not counted in ClinVar's aggregate classification.

Dr. Peter K. Rogan Lab, Western University
No classification provided (evidence only). Condition: Cholangiocarcinoma. Review status: no classification provided. Collection method: in vitro. Allele origin: not applicable. Functional consequence: retained intron. Not counted in ClinVar's aggregate classification.

Dr. Peter K. Rogan Lab, Western University
No classification provided (evidence only). Condition: Cholangiocarcinoma. Review status: no classification provided. Collection method: in vitro. Allele origin: not applicable. Functional consequence: retained intron. Not counted in ClinVar's aggregate classification.

Dr. Peter K. Rogan Lab, Western University
No classification provided (evidence only). Condition: Cholangiocarcinoma. Review status: no classification provided. Collection method: in vitro. Allele origin: not applicable. Functional consequence: retained intron. Not counted in ClinVar's aggregate classification.

Dr. Peter K. Rogan Lab, Western University
No classification provided (evidence only). Condition: Cholangiocarcinoma. Review status: no classification provided. Collection method: in vitro. Allele origin: not applicable. Functional consequence: retained intron. Not counted in ClinVar's aggregate classification.

Dr. Peter K. Rogan Lab, Western University
No classification provided (evidence only). Condition: Cholangiocarcinoma. Review status: no classification provided. Collection method: in vitro. Allele origin: not applicable. Functional consequence: retained intron. Not counted in ClinVar's aggregate classification.

Dr. Peter K. Rogan Lab, Western University
No classification provided (evidence only). Condition: Uterine carcinosarcoma. Review status: no classification provided. Collection method: in vitro. Allele origin: not applicable. Functional consequence: retained intron. Not counted in ClinVar's aggregate classification.

Dr. Peter K. Rogan Lab, Western University
No classification provided (evidence only). Condition: Malignant tumor of esophagus. Review status: no classification provided. Collection method: in vitro. Allele origin: not applicable. Functional consequence: retained intron. Not counted in ClinVar's aggregate classification.

Dr. Peter K. Rogan Lab, Western University
No classification provided (evidence only). Condition: Malignant tumor of esophagus. Review status: no classification provided. Collection method: in vitro. Allele origin: not applicable. Functional consequence: retained intron. Not counted in ClinVar's aggregate classification.

Dr. Peter K. Rogan Lab, Western University
No classification provided (evidence only). Condition: Malignant tumor of esophagus. Review status: no classification provided. Collection method: in vitro. Allele origin: not applicable. Functional consequence: retained intron. Not counted in ClinVar's aggregate classification.

Dr. Peter K. Rogan Lab, Western University
No classification provided (evidence only). Condition: Malignant tumor of esophagus. Review status: no classification provided. Collection method: in vitro. Allele origin: not applicable. Functional consequence: retained intron. Not counted in ClinVar's aggregate classification.